The following is an entry in ClinVar:

ClinVar aggregate classification (germline): Uncertain significance. Review status: criteria provided, multiple submitters, no conflicts (2 of 4 stars). 2 submissions from 2 submitters: Uncertain significance (2). Last evaluated 2024-12-04.

Allele frequency attached by ClinVar (database versions not stated): gnomAD exomes 0.00001; ExAC 0.00002.
gnomAD v4.1: 4 of 1,613,874 alleles (0.00025%); highest among the groups gnomAD compares: Admixed American, 0.0067%; no homozygotes.

Submissions (2):

Ambry Genetics
Classification: Uncertain significance. Last evaluated: 2024-12-04. Review status: criteria provided, single submitter. Criteria: Ambry Variant Classification Scheme 2023. Collection method: clinical testing. Allele origin: germline.
Comment: The p.Q266H variant (also known as c.798G>T), located in coding exon 6 of the RECQL gene, results from a G to T substitution at nucleotide position 798. The glutamine at codon 266 is replaced by histidine, an amino acid with highly similar properties. This amino acid position is conserved. In addition, this alteration is predicted to be tolerated by in silico analysis. Since supporting evidence is limited at this time, the clinical significance of this alteration remains unclear.

Labcorp Genetics (formerly Invitae), Labcorp
Classification: Uncertain significance. Last evaluated: 2024-02-23. Review status: criteria provided, single submitter. Criteria: Invitae Variant Classification Sherloc (09022015). Collection method: clinical testing. Allele origin: germline.
Comment: This sequence change replaces glutamine, which is neutral and polar, with histidine, which is basic and polar, at codon 266 of the RECQL protein (p.Gln266His). This variant is present in population databases (rs748890023, gnomAD 0.009%). This variant has not been reported in the literature in individuals affected with RECQL-related conditions. ClinVar contains an entry for this variant (Variation ID: 1761507). Advanced modeling of protein sequence and biophysical properties (such as structural, functional, and spatial information, amino acid conservation, physicochemical variation, residue mobility, and thermodynamic stability) performed at Invitae indicates that this missense variant is not expected to disrupt RECQL protein function with a negative predictive value of 80%. In summary, the available evidence is currently insufficient to determine the role of this variant in disease. Therefore, it has been classified as a Variant of Uncertain Significance.

NM_002907.4(RECQL):c.798G>T (p.Gln266His)

Gene: RECQL (RecQ like helicase; minus strand). Cytogenetic location: 12p12.1.
Variant type: single nucleotide variant.
Coding change: c.798G>T on transcript NM_002907.4 (MANE Select); coding-DNA position 798, G replaced by T.
Protein change: p.Gln266His; replaces glutamine 266 with histidine.
Molecular consequence: missense variant.
Genome position (GRCh38, 1-based): chr12:21,477,872, C>A on the plus strand (G>T on the coding strand, the complement: RECQL is on the minus strand). VCF-style: chr12-21477872-C-A. GRCh37 (hg19) VCF-style: chr12-21630806-C-A.
Other names: c.798G>T, p.Gln266His (NM_032941.3); short protein forms Q266H.
Identifiers: ClinVar variation 1761507 (VCV001761507.6), dbSNP rs748890023, ClinGen allele CA6478971.